The following is an entry in ClinVar:

NM_003998.4(NFKB1):c.40-2A>G

Gene: NFKB1 (nuclear factor kappa B subunit 1; plus strand). Cytogenetic location: 4q24.
Variant type: single nucleotide variant.
Coding change: c.40-2A>G on transcript NM_003998.4 (MANE Select); the canonical splice acceptor site of the intron before coding-DNA position 40, A replaced by G.
Molecular consequence: splice acceptor variant.
Genome position (GRCh38, 1-based): chr4:102,529,834, A>G. VCF-style: chr4-102529834-A-G. GRCh37 (hg19) VCF-style: chr4-103450991-A-G.
Other names: c.40-2A>G (NM_001382626.1, NM_001382627.1, NM_001165412.2 and 2 more transcripts); c.1-2A>G (NM_001382628.1).
Identifiers: ClinVar variation 2030990 (VCV002030990.4), dbSNP rs2476157027, ClinGen allele CA357957294.

ClinVar aggregate classification (germline): Likely pathogenic (1 of 4 stars; one submission).

Submission:

Labcorp Genetics (formerly Invitae), Labcorp
Classification: Likely pathogenic. Last evaluated: 2022-09-17. Review status: criteria provided, single submitter. Criteria: Invitae Variant Classification Sherloc (09022015). Collection method: clinical testing. Allele origin: germline.
Comment: In summary, the currently available evidence indicates that the variant is pathogenic, but additional data are needed to prove that conclusively. Therefore, this variant has been classified as Likely Pathogenic. Algorithms developed to predict the effect of sequence changes on RNA splicing suggest that this variant may disrupt the consensus splice site. This variant has not been reported in the literature in individuals affected with NFKB1-related conditions. This variant is not present in population databases (gnomAD no frequency). This sequence change affects an acceptor splice site in intron 2 of the NFKB1 gene. It is expected to disrupt RNA splicing. Variants that disrupt the donor or acceptor splice site typically lead to a loss of protein function (PMID: 16199547), and loss-of-function variants in NFKB1 are known to be pathogenic (PMID: 26279205, 29477724).

Literature cited by the submitters: PubMed 16199547; PubMed 26279205; PubMed 29477724.